The following is an entry in ClinVar:

NM_000548.5(TSC2):c.4493+3G>A

Gene: TSC2 (TSC complex subunit 2; plus strand). Cytogenetic location: 16p13.3.
Variant type: single nucleotide variant.
Coding change: c.4493+3G>A on transcript NM_000548.5 (MANE Select); 3 bases into the intron after coding-DNA position 4493, G replaced by A.
Molecular consequence: intron variant.
Genome position (GRCh38, 1-based): chr16:2,084,718, G>A. VCF-style: chr16-2084718-G-A. GRCh37 (hg19) VCF-style: chr16-2134719-G-A.
Other names: c.4424+3G>A (NM_001114382.3); c.4364+3G>A (NM_021055.3, NM_001370405.1); c.4295+3G>A (NM_001363528.2); c.4361+3G>A (NM_001370404.1); c.4292+3G>A (NM_001077183.3); c.4184+3G>A (NM_001318827.2); c.3761+3G>A (NM_001318831.2); c.4148+3G>A (NM_001318829.2); and 1 more.
Identifiers: ClinVar variation 643015 (VCV000643015.12), dbSNP rs1259786285, ClinGen allele CA718918957.

ClinVar aggregate classification (germline): Conflicting classifications of pathogenicity. Review status: criteria provided, conflicting classifications (1 of 4 stars). 4 submissions from 4 submitters: Uncertain significance (1); Likely benign (3). Last evaluated 2026-09-11.

Conditions:
Hereditary cancer-predisposing syndrome. Also called: Neoplastic Syndromes, Hereditary; Hereditary Cancer Syndrome; Hereditary neoplastic syndrome; Tumor predisposition. Identifiers: Orphanet 140162, MedGen C0027672, MeSH D009386, MONDO:0015356.
Tuberous sclerosis syndrome (TSC). Also called: Tuberous Sclerosis Complex; Tuberous sclerosis. Identifiers: Orphanet 805, MedGen C0041341, MONDO:0001734.
Tuberous sclerosis 2 (TSC2). Identifiers: Orphanet 805, MedGen C1860707, MONDO:0013199, OMIM 613254.

Allele frequency attached by ClinVar (database versions not stated): TOPMed below 0.00001.
gnomAD v4.1: 11 of 1,598,460 alleles (0.00069%); highest among the groups gnomAD compares: Non-Finnish European, 0.00093%; no homozygotes.

Submissions (4):

Ambry Genetics
Classification: Likely benign for Hereditary cancer-predisposing syndrome. Last evaluated: 2026-09-11. Review status: criteria provided, single submitter. Criteria: Ambry Variant Classification Scheme 2023. Collection method: clinical testing. Allele origin: germline.

Color Diagnostics, LLC DBA Color Health
Classification: Uncertain significance for Tuberous sclerosis syndrome. Last evaluated: 2025-07-14. Review status: criteria provided, single submitter. Criteria: ACMG Guidelines, 2015. Collection method: clinical testing. Allele origin: germline.
Comment: This variant causes a G to A nucleotide substitution at the +3 position of intron 34/41 of the TSC2 gene. To our knowledge, functional studies have not been reported for this variant. This variant has not been reported in individuals affected with TSC2-related disorders in the literature. This variant has not been identified in the general population by the Genome Aggregation Database (gnomAD). The available evidence is insufficient to determine the role of this variant in disease conclusively. Therefore, this variant is classified as a Variant of Uncertain Significance.

Myriad Genetics, Inc.
Classification: Likely benign for Tuberous sclerosis 2. Last evaluated: 2025-06-03. Review status: criteria provided, single submitter. Criteria: Myriad Autosomal Dominant, Autosomal Recessive and X-Linked Classification Criteria (2023). Collection method: clinical testing. Allele origin: unknown.
Comment: This variant is considered likely benign. This variant is intronic and is not expected to impact mRNA splicing.

Labcorp Genetics (formerly Invitae), Labcorp
Classification: Likely benign for Tuberous sclerosis 2. Last evaluated: 2024-06-04. Review status: criteria provided, single submitter. Criteria: Invitae Variant Classification Sherloc (09022015). Collection method: clinical testing. Allele origin: germline.